The following is an entry in ClinVar:

NM_001378454.1(ALMS1):c.872G>T (p.Ser291Ile)

Gene: ALMS1 (ALMS1 centrosome and basal body associated protein; plus strand). Cytogenetic location: 2p13.1.
Variant type: single nucleotide variant.
Coding change: c.872G>T on transcript NM_001378454.1 (MANE Select); coding-DNA position 872, G replaced by T.
Protein change: p.Ser291Ile; replaces serine 291 with isoleucine.
Molecular consequence: missense variant.
Genome position (GRCh38, 1-based): chr2:73,424,537, G>T. VCF-style: chr2-73424537-G-T. GRCh37 (hg19) VCF-style: chr2-73651665-G-T.
Other names: c.875G>T, p.Ser292Ile (NM_015120.4); short protein forms S291I, S292I.
Identifiers: ClinVar variation 1189965 (VCV001189965.2), dbSNP rs568470985, ClinGen allele CA1713002.

ClinVar aggregate classification (germline): Uncertain significance (1 of 4 stars; one submission).

Allele frequency attached by ClinVar (database versions not stated): 1000 Genomes Project 0.00020; 1000 Genomes Project 30x 0.00016.
gnomAD v4.1: 26 of 1,612,296 alleles (0.0016%); highest among the groups gnomAD compares: South Asian, 0.029%; no homozygotes.

Submission:

GeneDx
Classification: Uncertain significance. Last evaluated: 2020-02-10. Review status: criteria provided, single submitter. Criteria: GeneDx Variant Classification Process June 2021. Collection method: clinical testing. Allele origin: germline. Affected: yes.
Comment: In silico analysis supports that this missense variant does not alter protein structure/function; Has not been previously published as pathogenic or benign to our knowledge